The following is an entry in ClinVar:

ClinVar aggregate classification (germline): Uncertain significance (1 of 4 stars; one submission).

Conditions:
MEGF10-related myopathy (CMYO10A). Also called: Congenital myopathy 10A, severe variant. Identifiers: Orphanet 439212, MedGen C3280679, MONDO:0013731, OMIM 614399.

Submission:

Labcorp Genetics (formerly Invitae), Labcorp
Classification: Uncertain significance for MEGF10-related myopathy. Last evaluated: 2021-08-31. Review status: criteria provided, single submitter. Criteria: Invitae Variant Classification Sherloc (09022015). Collection method: clinical testing. Allele origin: germline.
Comment: This sequence change replaces glutamine with lysine at codon 689 of the MEGF10 protein (p.Gln689Lys). The glutamine residue is highly conserved and there is a small physicochemical difference between glutamine and lysine. This variant is not present in population databases (ExAC no frequency). This variant has not been reported in the literature in individuals affected with MEGF10-related conditions. Algorithms developed to predict the effect of missense changes on protein structure and function (SIFT, PolyPhen-2, Align-GVGD) all suggest that this variant is likely to be disruptive. In summary, the available evidence is currently insufficient to determine the role of this variant in disease. Therefore, it has been classified as a Variant of Uncertain Significance.

NM_001256545.2(MEGF10):c.2065C>A (p.Gln689Lys)

Gene: MEGF10 (multiple EGF like domains 10; plus strand). Cytogenetic location: 5q23.2.
Variant type: single nucleotide variant.
Coding change: c.2065C>A on transcript NM_001256545.2 (MANE Select); coding-DNA position 2065, C replaced by A.
Protein change: p.Gln689Lys; replaces glutamine 689 with lysine.
Molecular consequence: missense variant.
Genome position (GRCh38, 1-based): chr5:127,435,450, C>A. VCF-style: chr5-127435450-C-A. GRCh37 (hg19) VCF-style: chr5-126771142-C-A.
Other names: c.2065C>A, p.Gln689Lys (NM_032446.3); short protein forms Q689K.
Identifiers: ClinVar variation 949941 (VCV000949941.7), dbSNP rs1765523490, ClinGen allele CA360732655.